The following is an entry in ClinVar:

NM_004360.5(CDH1):c.1174G>C (p.Val392Leu)

Gene: CDH1 (cadherin 1; plus strand). Cytogenetic location: 16q22.1.
Variant type: single nucleotide variant.
Coding change: c.1174G>C on transcript NM_004360.5 (MANE Select); coding-DNA position 1174, G replaced by C.
Protein change: p.Val392Leu; replaces valine 392 with leucine.
Molecular consequence: missense variant. On other transcripts: 5 prime UTR variant (2), intron variant (1).
Genome position (GRCh38, 1-based): chr16:68,813,349, G>C. VCF-style: chr16-68813349-G-C. GRCh37 (hg19) VCF-style: chr16-68847252-G-C.
Other names: c.-442G>C (NM_001317185.2); c.-646G>C (NM_001317186.2); c.1137+1086G>C (NM_001317184.2); short protein forms V392L.
Identifiers: ClinVar variation 926449 (VCV000926449.8), dbSNP rs141864044, ClinGen allele CA396461170.
Genomic context (GRCh38, chr16:68,813,349, plus strand): 5'-ATGACACATCTCTTTGCTCTGCAGTACAAGGGTCAGGTGCCTGAGAACGAGGCTAACGTC[G>C]TAATCACCACACTGAAAGTGACTGATGCTGATGCCCCCAATACCCCAGCGTGGGAGGCTG-3'
Protein context (NP_004351.1, residues 382-402): GQVPENEANV[Val392Leu]ITTLKVTDAD

ClinVar aggregate classification (germline): Conflicting classifications of pathogenicity. Review status: criteria provided, conflicting classifications (1 of 4 stars). 3 submissions from 3 submitters: Uncertain significance (2); Likely benign (1). Last evaluated 2026-06-24.

Conditions:
Endometrial carcinoma. Also called: Endometrial carcinoma, somatic. Identifiers: MedGen C0476089, MONDO:0002447, OMIM 608089, HP:0012114.
Hereditary diffuse gastric adenocarcinoma (HDGC). Also called: DIFFUSE GASTRIC AND LOBULAR BREAST CANCER SYNDROME. Identifiers: Orphanet 26106, MedGen C1708349, MONDO:0007648, OMIM 137215.
Ovarian cancer. Also called: OVARIAN CANCER, SOMATIC. Identifiers: Orphanet 213500, MedGen C1140680, MONDO:0008170, OMIM 167000.
Familial cancer of breast. Also called: Hereditary breast cancer; BREAST CANCER, FAMILIAL; hereditary breast carcinoma. Identifiers: Orphanet 227535, MedGen C0346153, MONDO:0016419, OMIM 114480. Disease mechanism: loss of function.
Blepharocheilodontic syndrome 1 (BCDS1). Identifiers: Orphanet 1997, MedGen C4551988, MONDO:0054740, OMIM 119580.
Hereditary cancer-predisposing syndrome. Also called: Neoplastic Syndromes, Hereditary; Hereditary Cancer Syndrome; Tumor predisposition; Hereditary neoplastic syndrome. Identifiers: Orphanet 140162, MedGen C0027672, MeSH D009386, MONDO:0015356.

gnomAD v4.1: 2 of 1,614,130 alleles (0.00012%); highest among the groups gnomAD compares: Non-Finnish European, 0.00017%; no homozygotes.

Submissions (3):

Ambry Genetics
Classification: Likely benign for Hereditary cancer-predisposing syndrome. Last evaluated: 2026-06-24. Review status: criteria provided, single submitter. Criteria: Ambry Variant Classification Scheme 2023. Collection method: clinical testing. Allele origin: germline.

Fulgent Genetics
Classification: Uncertain significance for Familial cancer of breast; Blepharocheilodontic syndrome 1; Hereditary diffuse gastric adenocarcinoma; Ovarian cancer; Endometrial carcinoma. Last evaluated: 2024-06-18. Review status: criteria provided, single submitter. Criteria: ACMG Guidelines, 2015. Collection method: clinical testing. Allele origin: germline.

Color Diagnostics, LLC DBA Color Health
Classification: Uncertain significance for Hereditary cancer-predisposing syndrome. Last evaluated: 2023-12-05. Review status: criteria provided, single submitter. Criteria: ACMG Guidelines, 2015. Collection method: clinical testing. Allele origin: germline.
Comment: This missense variant replaces valine with leucine at codon 392 of the CDH1 protein. To our knowledge, functional studies have not been reported for this variant. This variant has not been reported in individuals affected with CDH1-related disorders in the literature. This variant has not been identified in the general population by the Genome Aggregation Database (gnomAD). The available evidence is insufficient to determine the role of this variant in disease conclusively. Therefore, this variant is classified as a Variant of Uncertain Significance.